The following is an entry in ClinVar:

ClinVar aggregate classification (germline): Uncertain significance (1 of 4 stars; one submission).

Conditions:
Carnitine palmitoyltransferase II deficiency. Also called: Carnitine Palmitoyltransferase 2 Deficiency. Identifiers: Orphanet 157, MedGen C0342790, MONDO:0015515.

gnomAD v4.1: 1 of 1,539,072 alleles (0.000065%); highest among the groups gnomAD compares: East Asian, 0.0024%; no homozygotes.

Submission:

Labcorp Genetics (formerly Invitae), Labcorp
Classification: Uncertain significance for Carnitine palmitoyltransferase II deficiency. Last evaluated: 2022-07-01. Review status: criteria provided, single submitter. Criteria: Invitae Variant Classification Sherloc (09022015). Collection method: clinical testing. Allele origin: germline.
Comment: This sequence change replaces histidine, which is basic and polar, with arginine, which is basic and polar, at codon 44 of the CPT2 protein (p.His44Arg). This variant is not present in population databases (gnomAD no frequency). This variant has not been reported in the literature in individuals affected with CPT2-related conditions. Advanced modeling of protein sequence and biophysical properties (such as structural, functional, and spatial information, amino acid conservation, physicochemical variation, residue mobility, and thermodynamic stability) performed at Invitae indicates that this missense variant is not expected to disrupt CPT2 protein function. In summary, the available evidence is currently insufficient to determine the role of this variant in disease. Therefore, it has been classified as a Variant of Uncertain Significance.

NM_000098.3(CPT2):c.131A>G (p.His44Arg)

Genes: CPT2 (carnitine palmitoyltransferase 2; plus strand), LOC129930561 (ATAC-STARR-seq lymphoblastoid silent region 902; plus strand). Cytogenetic location: 1p32.3.
Variant type: single nucleotide variant.
Coding change: c.131A>G on transcript NM_000098.3 (MANE Select); coding-DNA position 131, A replaced by G.
Protein change: p.His44Arg; replaces histidine 44 with arginine.
Molecular consequence: missense variant.
Genome position (GRCh38, 1-based): chr1:53,197,074, A>G. VCF-style: chr1-53197074-A-G. GRCh37 (hg19) VCF-style: chr1-53662746-A-G.
Other names: c.131A>G, p.His44Arg (NM_001330589.2); short protein forms H44R.
Identifiers: ClinVar variation 2012717 (VCV002012717.4), dbSNP rs1370744119, ClinGen allele CA340388809.